The following is an entry in ClinVar:

NM_001205293.3(CACNA1E):c.6516C>G (p.Tyr2172Ter)

Gene: CACNA1E (calcium voltage-gated channel subunit alpha1 E; plus strand). Cytogenetic location: 1q25.3.
Variant type: single nucleotide variant.
Coding change: c.6516C>G on transcript NM_001205293.3 (MANE Select); coding-DNA position 6516, C replaced by G.
Protein change: p.Tyr2172Ter; replaces tyrosine 2172 with a stop codon.
Molecular consequence: nonsense.
Genome position (GRCh38, 1-based): chr1:181,798,408, C>G. VCF-style: chr1-181798408-C-G. GRCh37 (hg19) VCF-style: chr1-181767544-C-G.
Other names: c.6387C>G, p.Tyr2129Ter (NM_000721.4); c.6330C>G, p.Tyr2110Ter (NM_001205294.2); short protein forms Y2172*, Y2110*, Y2129*.
Identifiers: ClinVar variation 1364403 (VCV001364403.6), dbSNP rs756099099, ClinGen allele CA343844951.
Genomic context (GRCh38, chr1:181,798,408, plus strand): 5'-AAGAAGAAGTCGTCGGCAGCTCCCACCCGTCCCGCCAAAGCCCCGGCCCCTCCTTTCCTA[C>G]AGCTCCCTGATTCGACACGCGGGCAGCATCTCTCCACCTGCTGATGGAAGCGAGGAGGGC-3'

ClinVar aggregate classification (germline): Uncertain significance (1 of 4 stars; one submission).

Submission:

Labcorp Genetics (formerly Invitae), Labcorp
Classification: Uncertain significance. Last evaluated: 2021-06-28. Review status: criteria provided, single submitter. Criteria: Invitae Variant Classification Sherloc (09022015). Collection method: clinical testing. Allele origin: germline.
Comment: In summary, the available evidence is currently insufficient to determine the role of this variant in disease. Therefore, it has been classified as a Variant of Uncertain Significance. Algorithms developed to predict the effect of sequence changes on RNA splicing suggest that this variant may create or strengthen a splice site. This premature translational stop signal has been observed in individual(s) with clinical features of developmental and epileptic encephalopathy (Invitae). This variant is not present in population databases (ExAC no frequency). This sequence change creates a premature translational stop signal (p.Tyr2129*) in the CACNA1E gene. While this is not anticipated to result in nonsense mediated decay, it is expected to disrupt the last 142 amino acid(s) of the CACNA1E protein.